The following is an entry in ClinVar:

ClinVar aggregate classification (germline): Uncertain significance (1 of 4 stars; one submission).

Conditions:
Inborn genetic diseases. Identifiers: MedGen C0950123, MeSH D030342.

Allele frequency attached by ClinVar (database versions not stated): ExAC 0.00002; gnomAD exomes 0.00003; TOPMed 0.00003.
gnomAD v4.1: 16 of 1,613,992 alleles (0.00099%); highest among the groups gnomAD compares: Admixed American, 0.018%; no homozygotes.

Submission:

Ambry Genetics
Classification: Uncertain significance for Inborn genetic diseases. Last evaluated: 2020-12-15. Review status: criteria provided, single submitter. Criteria: Ambry Variant Classification Scheme 2023. Collection method: clinical testing. Allele origin: germline.
Comment: The c.4697C>T (p.T1566I) alteration is located in exon 21 (coding exon 20) of the VPS13D gene. This alteration results from a C to T substitution at nucleotide position 4697, causing the threonine (T) at amino acid position 1566 to be replaced by an isoleucine (I). The p.T1566I alteration is predicted to be tolerated by in silico analysis. Based on insufficient or conflicting evidence, the clinical significance of this alteration remains unclear.

NM_015378.4(VPS13D):c.4697C>T (p.Thr1566Ile)

Gene: VPS13D (vacuolar protein sorting 13 homolog D; plus strand). Cytogenetic location: 1p36.22.
Variant type: single nucleotide variant.
Coding change: c.4697C>T on transcript NM_015378.4 (MANE Select); coding-DNA position 4697, C replaced by T.
Protein change: p.Thr1566Ile; replaces threonine 1566 with isoleucine.
Molecular consequence: missense variant.
Genome position (GRCh38, 1-based): chr1:12,282,799, C>T. VCF-style: chr1-12282799-C-T. GRCh37 (hg19) VCF-style: chr1-12342856-C-T.
Other names: c.4697C>T, p.Thr1566Ile (NM_018156.4); short protein forms T1566I.
Identifiers: ClinVar variation 2344729 (VCV002344729.2), dbSNP rs765661568, ClinGen allele CA602197.